The following is an entry in ClinVar:

NM_001105206.3(LAMA4):c.717A>G (p.Ala239=)

Gene: LAMA4 (laminin subunit alpha 4; minus strand). Cytogenetic location: 6q21.
Variant type: single nucleotide variant.
Coding change: c.717A>G on transcript NM_001105206.3 (MANE Select); coding-DNA position 717, A replaced by G.
Protein change: p.Ala239=; no amino-acid change (alanine 239 retained).
Molecular consequence: synonymous variant.
Genome position (GRCh38, 1-based): chr6:112,191,637, T>C on the plus strand (A>G on the coding strand, the complement: LAMA4 is on the minus strand). VCF-style: chr6-112191637-T-C. GRCh37 (hg19) VCF-style: chr6-112512839-T-C.
Other names: c.717A>G, p.Ala239= (NM_001105207.3, NM_002290.5).
Identifiers: ClinVar variation 3013001 (VCV003013001.3), dbSNP rs1554349040, ClinGen allele CA451597089.

ClinVar aggregate classification (germline): Uncertain significance (1 of 4 stars; one submission).

Conditions:
Dilated cardiomyopathy 1JJ (CMD1JJ). Identifiers: Orphanet 154, MedGen C3808935, MONDO:0014095, OMIM 615235.

Allele frequency attached by ClinVar (database versions not stated): gnomAD 0.00001.

Submission:

Labcorp Genetics (formerly Invitae), Labcorp
Classification: Uncertain significance for Dilated cardiomyopathy 1JJ. Last evaluated: 2023-07-24. Review status: criteria provided, single submitter. Criteria: Invitae Variant Classification Sherloc (09022015). Collection method: clinical testing. Allele origin: germline.
Comment: In summary, the available evidence is currently insufficient to determine the role of this variant in disease. Therefore, it has been classified as a Variant of Uncertain Significance. Algorithms developed to predict the effect of sequence changes on RNA splicing suggest that this variant may disrupt the consensus splice site. This variant has not been reported in the literature in individuals affected with LAMA4-related conditions. This variant is present in population databases (no rsID available, gnomAD 0.01%). This sequence change affects codon 239 of the LAMA4 mRNA. It is a 'silent' change, meaning that it does not change the encoded amino acid sequence of the LAMA4 protein. It affects a nucleotide within the consensus splice site.